The following is an entry in ClinVar:

NM_005029.4(PITX3):c.367A>T (p.Ser123Cys)

Genes: GBF1 (golgi brefeldin A resistant guanine nucleotide exchange factor 1; plus strand), PITX3 (paired like homeodomain 3; minus strand). Cytogenetic location: 10q24.32.
Variant type: single nucleotide variant.
Coding change: c.367A>T on transcript NM_005029.4 (MANE Select); coding-DNA position 367, A replaced by T.
Protein change: p.Ser123Cys; replaces serine 123 with cysteine.
Molecular consequence: missense variant. On other transcripts: intron variant (2).
Genome position (GRCh38, 1-based): chr10:102,231,056, T>A on the plus strand (A>T on the coding strand, the complement: PITX3 is on the minus strand). VCF-style: chr10-102231056-T-A. GRCh37 (hg19) VCF-style: chr10-103990813-T-A.
Other names: c.-149+140T>A (NM_001391924.1); c.-11+140T>A (NM_001391923.1); short protein forms S123C.
Identifiers: ClinVar variation 3677075 (VCV003677075.2).

ClinVar aggregate classification (germline): Uncertain significance (1 of 4 stars; one submission).

Submission:

Labcorp Genetics (formerly Invitae), Labcorp
Classification: Uncertain significance. Last evaluated: 2025-04-17. Review status: criteria provided, single submitter. Criteria: Invitae Variant Classification Sherloc (09022015). Collection method: clinical testing. Allele origin: germline.
Comment: This sequence change replaces serine, which is neutral and polar, with cysteine, which is neutral and slightly polar, at codon 123 of the PITX3 protein (p.Ser123Cys). This variant is not present in population databases (gnomAD no frequency). This variant has not been reported in the literature in individuals affected with PITX3-related conditions. ClinVar contains an entry for this variant (Variation ID: 3677075). An algorithm developed to predict the effect of missense changes on protein structure and function (PolyPhen-2) suggests that this variant is likely to be disruptive. In summary, the available evidence is currently insufficient to determine the role of this variant in disease. Therefore, it has been classified as a Variant of Uncertain Significance.